The following is an entry in ClinVar:

ClinVar aggregate classification (germline): Pathogenic. Review status: criteria provided, single submitter (1 of 4 stars). 3 submissions from 3 submitters: Pathogenic (1). 2 of the submissions do not count toward it. Last evaluated 2021-12-30.

Conditions:
KMT2A-related disorder. Also called: KMT2A-related condition.
Wiedemann-Steiner syndrome (WDSTS). Also called: Growth deficiency and mental retardation with facial dysmorphism. Identifiers: Orphanet 319182, MedGen C1854630, MONDO:0011518, OMIM 605130.

Submissions (3):

GeneDx
Classification: Pathogenic. Last evaluated: 2021-12-30. Review status: criteria provided, single submitter. Criteria: GeneDx Variant Classification Process June 2021. Collection method: clinical testing. Allele origin: germline. Affected: yes.
Comment: Frameshift variant predicted to result in protein truncation or nonsense mediated decay in a gene for which loss-of-function is a known mechanism of disease; Not observed in large population cohorts (Lek et al., 2016); This variant is associated with the following publications: (PMID: 26633542, 28359930)

PreventionGenetics, part of Exact Sciences
Classification: Pathogenic for KMT2A-related condition. Last evaluated: 2024-01-04. Review status: no assertion criteria provided. Collection method: clinical testing. Allele origin: germline. Not counted in ClinVar's aggregate classification.
Comment: The KMT2A c.152_186del35 variant is predicted to result in a frameshift and premature protein termination (p.Pro51Argfs*84). This variant has been reported in multiple individuals with Wiedemann-Steiner syndrome, and in at least one occurrence was reported as de novo (Table S3 in Retterer et al. 2016. PubMed ID: 26633542; Aggarwal et al. 2017. PubMed ID: 28359930). This variant has not been reported in a large population database, indicating this variant is rare. Frameshift variants in KMT2A are expected to be pathogenic. This variant is interpreted as pathogenic.

Gene Discovery Core-Manton Center, Boston Children's Hospital
Classification: Pathogenic for Wiedemann-Steiner syndrome. Last evaluated: 2020-02-14. Review status: no assertion criteria provided. Collection method: research. Allele origin: de novo. Affected: yes. Not counted in ClinVar's aggregate classification.
Comment: This variant is interpretted as Pathogenic for Wiedemann-Steiner Syndrome (WSS); Autosomal Dominant. PVS1 - null variant (nonsense, frameshift, canonical splice sites, initiation codon, single or multiexon deletion) in a gene where LOF is a known mechanism of disease. PS2 - De novo (both maternity and paternity confirmed) in a patient with the disease and no family history. PM2 - Absent from controls (or at extremely low frequency if recessive) in Exome Sequencing Project, 1000 Genomes Project, or Exome Aggregation Consortium. PP5 - Reputable source recently reports variant as pathogenic, but the evidence is not available to the laboratory to perform an independent evaluation (PMID: 26633542).

NM_001197104.2(KMT2A):c.152_186del (p.Pro51fs)

Gene: KMT2A (lysine methyltransferase 2A; plus strand). Cytogenetic location: 11q23.3.
Variant type: Deletion.
Coding change: c.152_186del on transcript NM_001197104.2 (MANE Select); coding-DNA positions 152 to 186, 35 bases deleted.
Protein change: p.Pro51fs; shifts the reading frame from proline 51.
Molecular consequence: frameshift variant.
Genome position (GRCh38, 1-based): chr11:118,436,664-118,436,698, 35 bases deleted; deleting any 35 consecutive bases within chr11:118,436,655-118,436,698 gives the same sequence; the c. name uses the placement nearest the transcript's 3' end. GRCh37 (hg19): chr11:118,307,379-118,307,413.
Other names: c.152_186delCCGGGGCGCCCCCCTCCCCCCCGGCTGTGGCGGCC (NM_001197104.1); c.152_186del, p.Pro51fs (NM_005933.4); short protein forms P51fs.
Identifiers: ClinVar variation 1188831 (VCV001188831.7), dbSNP rs2134153013, ClinGen allele CA2499220785.